The following is an entry in ClinVar:

NM_005560.6(LAMA5):c.4893T>A (p.Phe1631Leu)

Gene: LAMA5 (laminin subunit alpha 5; minus strand). Cytogenetic location: 20q13.33.
Variant type: single nucleotide variant.
Coding change: c.4893T>A on transcript NM_005560.6 (MANE Select); coding-DNA position 4893, T replaced by A.
Protein change: p.Phe1631Leu; replaces phenylalanine 1631 with leucine.
Molecular consequence: missense variant.
Genome position (GRCh38, 1-based): chr20:62,327,574, A>T on the plus strand (T>A on the coding strand, the complement: LAMA5 is on the minus strand). VCF-style: chr20-62327574-A-T. GRCh37 (hg19) VCF-style: chr20-60902630-A-T.
Other names: short protein forms F1631L.
Identifiers: ClinVar variation 1505487 (VCV001505487.6), dbSNP rs550344524, ClinGen allele CA409564784.
Genomic context (GRCh38, chr20:62,327,574, plus strand): 5'-GTCCTGCAGGCGCACCTCCTGGCGGGTGTAGGACGAGCTCCGGCAGCGCTCCGTGGCCCC[A>T]AAGCAGAAGCAGCGGGTGCAACCTTTGGGGTTGGCAGCATCCAGTGAGAAGGTCCCAAGG-3'
Protein context (NP_005551.3, residues 1621-1641): NPKGCTRCFC[Phe1631Leu]GATERCRSSS

ClinVar aggregate classification (germline): Uncertain significance (1 of 4 stars; one submission).

gnomAD v4.1: 9 of 1,612,908 alleles (0.00056%); highest among the groups gnomAD compares: Non-Finnish European, 0.00059%; no homozygotes.

Submission:

Labcorp Genetics (formerly Invitae), Labcorp
Classification: Uncertain significance. Last evaluated: 2021-09-29. Review status: criteria provided, single submitter. Criteria: Invitae Variant Classification Sherloc (09022015). Collection method: clinical testing. Allele origin: germline.
Comment: Algorithms developed to predict the effect of missense changes on protein structure and function are either unavailable or do not agree on the potential impact of this missense change (SIFT: "Deleterious"; PolyPhen-2: "Benign"; Align-GVGD: "Class C0"). In summary, the available evidence is currently insufficient to determine the role of this variant in disease. Therefore, it has been classified as a Variant of Uncertain Significance. Algorithms developed to predict the effect of sequence changes on RNA splicing suggest that this variant may create or strengthen a splice site. This missense change has been observed in individual(s) with nephrotic syndrome (Invitae). This variant is not present in population databases (ExAC no frequency). This sequence change replaces phenylalanine with leucine at codon 1631 of the LAMA5 protein (p.Phe1631Leu). The phenylalanine residue is highly conserved and there is a small physicochemical difference between phenylalanine and leucine.